The following is an entry in ClinVar:

ClinVar aggregate classification (germline): Likely benign (1 of 4 stars; one submission).

Conditions:
PEX12-related disorder. Also called: PEX12-related condition; PEX12-related disorders.

Submission:

PreventionGenetics, part of Exact Sciences
Classification: Likely benign for PEX12-related condition. Last evaluated: 2026-01-11. Review status: criteria provided, single submitter. Criteria: ACMG Guidelines, 2015. Collection method: clinical testing. Allele origin: germline.
Comment: This variant is classified as likely benign based on ACMG/AMP sequence variant interpretation guidelines (Richards et al. 2015 PMID: 25741868, with internal and published modifications).

NM_000286.3(PEX12):c.204T>C (p.Leu68=)

Gene: PEX12 (peroxisomal biogenesis factor 12; minus strand). Cytogenetic location: 17q12.
Variant type: single nucleotide variant.
Coding change: c.204T>C on transcript NM_000286.3 (MANE Select); coding-DNA position 204, T replaced by C.
Protein change: p.Leu68=; no amino-acid change (leucine 68 retained).
Molecular consequence: synonymous variant.
Genome position (GRCh38, 1-based): chr17:35,577,514, A>G on the plus strand (T>C on the coding strand, the complement: PEX12 is on the minus strand). VCF-style: chr17-35577514-A-G. GRCh37 (hg19) VCF-style: chr17-33904533-A-G.
Identifiers: ClinVar variation 4985741 (VCV004985741.1).